The following is an entry in ClinVar:

ClinVar aggregate classification (germline): Uncertain significance (1 of 4 stars; one submission).

Allele frequency attached by ClinVar (database versions not stated): gnomAD 0.00001.
gnomAD v4.1: 1 of 1,613,938 alleles (0.000062%); highest among the groups gnomAD compares: Admixed American, 0.0017%; no homozygotes.

Submission:

Ambry Genetics
Classification: Uncertain significance. Last evaluated: 2022-09-16. Review status: criteria provided, single submitter. Criteria: Ambry Variant Classification Scheme 2023. Collection method: clinical testing. Allele origin: germline.
Comment: The p.S209F variant (also known as c.626C>T), located in coding exon 1 of the MLH3 gene, results from a C to T substitution at nucleotide position 626. The serine at codon 209 is replaced by phenylalanine, an amino acid with highly dissimilar properties. This amino acid position is conserved. In addition, the in silico prediction for this alteration is inconclusive. Since supporting evidence is limited at this time, the clinical significance of this alteration remains unclear.

NM_001040108.2(MLH3):c.626C>T (p.Ser209Phe)

Gene: MLH3 (mutL homolog 3; minus strand). Cytogenetic location: 14q24.3.
Variant type: single nucleotide variant.
Coding change: c.626C>T on transcript NM_001040108.2 (MANE Select); coding-DNA position 626, C replaced by T.
Protein change: p.Ser209Phe; replaces serine 209 with phenylalanine.
Molecular consequence: missense variant.
Genome position (GRCh38, 1-based): chr14:75,049,030, G>A on the plus strand (C>T on the coding strand, the complement: MLH3 is on the minus strand). VCF-style: chr14-75049030-G-A. GRCh37 (hg19) VCF-style: chr14-75515733-G-A.
Other names: c.626C>T, p.Ser209Phe (NM_014381.3); short protein forms S209F.
Identifiers: ClinVar variation 1752539 (VCV001752539.2), dbSNP rs776985374, ClinGen allele CA390449749.
Genomic context (GRCh38, chr14:75,049,030, plus strand): 5'-TTAAAACTTATTTCTCTTAGCTTTTGGGACTTTCCCAATCCATAAATTTGACAAAATCGG[G>A]AACATACGTCTTTGGTTTTAGGGAGCTGAAGAACCATGGAACCAGAAACATCATTTCTCA-3'
Protein context (NP_001035197.1, residues 199-219): LQLPKTKDVC[Ser209Phe]RFCQIYGLGK